The following is an entry in ClinVar:

NM_015040.4(PIKFYVE):c.5322G>C (p.Gln1774His)

Gene: PIKFYVE (phosphoinositide kinase, FYVE-type zinc finger containing; plus strand). Cytogenetic location: 2q34.
Variant type: single nucleotide variant.
Coding change: c.5322G>C on transcript NM_015040.4 (MANE Select); coding-DNA position 5322, G replaced by C.
Protein change: p.Gln1774His; replaces glutamine 1774 with histidine.
Molecular consequence: missense variant.
Genome position (GRCh38, 1-based): chr2:208,347,971, G>C. VCF-style: chr2-208347971-G-C. GRCh37 (hg19) VCF-style: chr2-209212695-G-C.
Other names: short protein forms Q1774H.
Identifiers: ClinVar variation 333929 (VCV000333929.7), dbSNP rs146673873, ClinGen allele CA2080595.

ClinVar aggregate classification (germline): Conflicting classifications of pathogenicity. Review status: criteria provided, conflicting classifications (1 of 4 stars). 2 submissions from 2 submitters: Uncertain significance (1); Benign (1). Last evaluated 2022-05-11.

Conditions:
Inborn genetic diseases. Identifiers: MedGen C0950123, MeSH D030342.
Fleck corneal dystrophy (CFD). Also called: CORNEAL DYSTROPHY, FRANCOIS-NEETENS SPECKLED OR FLECKED. Identifiers: Orphanet 98970, MedGen C1562113, MONDO:0007376, OMIM 121850.

Allele frequency attached by ClinVar (database versions not stated): ESP Exome Variant Server 0.00015; gnomAD exomes 0.00015 and 0.00031; 1000 Genomes Project 0.00020; TOPMed 0.00020; gnomAD 0.00021; ExAC 0.00024; 1000 Genomes Project 30x 0.00031.
gnomAD v4.1: 283 of 1,614,144 alleles (0.018%); highest among the groups gnomAD compares: Admixed American, 0.017%; 3 homozygotes.

Submissions (2):

Ambry Genetics
Classification: Uncertain significance for Inborn genetic diseases. Last evaluated: 2022-05-11. Review status: criteria provided, single submitter. Criteria: Ambry Variant Classification Scheme 2023. Collection method: clinical testing. Allele origin: germline.

Illumina Laboratory Services, Illumina
Classification: Benign for Fleck corneal dystrophy. Last evaluated: 2018-01-13. Review status: criteria provided, single submitter. Criteria: ICSL Variant Classification Criteria 13 December 2019. Collection method: clinical testing. Allele origin: germline.
Comment: This variant was observed in the ICSL laboratory as part of a predisposition screen in an ostensibly healthy population. It had not been previously curated by ICSL or reported in the Human Gene Mutation Database (HGMD: prior to June 1st, 2018), and was therefore a candidate for classification through an automated scoring system. Utilizing variant allele frequency, disease prevalence and penetrance estimates, and inheritance mode, an automated score was calculated to assess if this variant is too frequent to cause the disease. Based on the score and internal cut-off values, a variant classified as benign is not then subjected to further curation. The score for this variant resulted in a classification of benign for this disease.